The following is an entry in ClinVar:

NM_015271.5(TRIM2):c.1609G>A (p.Val537Met)

Gene: TRIM2 (tripartite motif containing 2; plus strand). Cytogenetic location: 4q31.3.
Variant type: single nucleotide variant.
Coding change: c.1609G>A on transcript NM_015271.5 (MANE Select); coding-DNA position 1609, G replaced by A.
Protein change: p.Val537Met; replaces valine 537 with methionine.
Molecular consequence: missense variant.
Genome position (GRCh38, 1-based): chr4:153,315,583, G>A. VCF-style: chr4-153315583-G-A. GRCh37 (hg19) VCF-style: chr4-154236735-G-A.
Other names: c.1528G>A, p.Val510Met (NM_001130067.2, NM_001351056.2, NM_001375512.1 and 5 more transcripts); c.1582G>A, p.Val528Met (NM_001351054.2); c.1579G>A, p.Val527Met (NM_001351055.2); c.1153G>A, p.Val385Met (NM_001351057.2); c.1702G>A, p.Val568Met (NM_001375488.1); c.1699G>A, p.Val567Met (NM_001375489.1); c.1552G>A, p.Val518Met (NM_001375490.1); c.1549G>A, p.Val517Met (NM_001375491.1); and 3 more; short protein forms V518M, V567M, V426M, V527M, V537M, V568M, V385M, V424M.
Identifiers: ClinVar variation 1037263 (VCV001037263.8), dbSNP rs1324448372, ClinGen allele CA358467910.

ClinVar aggregate classification (germline): Uncertain significance (1 of 4 stars; one submission).

Conditions:
Charcot-Marie-Tooth disease type 2R. Also called: CHARCOT-MARIE-TOOTH NEUROPATHY, TYPE 2R; CHARCOT-MARIE-TOOTH DISEASE, AXONAL, AUTOSOMAL RECESSIVE, TYPE 2R; Charcot-Marie-Tooth disease, axonal, type 2R. Identifiers: Orphanet 397968, MedGen C3809655, MONDO:0014208, OMIM 615490.

Allele frequency attached by ClinVar (database versions not stated): gnomAD exomes 0.00001.
gnomAD v4.1: 7 of 1,607,740 alleles (0.00044%); highest among the groups gnomAD compares: Non-Finnish European, 0.00059%; no homozygotes.

Submission:

Labcorp Genetics (formerly Invitae), Labcorp
Classification: Uncertain significance for Charcot-Marie-Tooth disease type 2R. Last evaluated: 2020-02-02. Review status: criteria provided, single submitter. Criteria: Invitae Variant Classification Sherloc (09022015). Collection method: clinical testing. Allele origin: germline.
Comment: In summary, the available evidence is currently insufficient to determine the role of this variant in disease. Therefore, it has been classified as a Variant of Uncertain Significance. Algorithms developed to predict the effect of missense changes on protein structure and function are either unavailable or do not agree on the potential impact of this missense change (SIFT: "Deleterious"; PolyPhen-2: "Possibly Damaging"; Align-GVGD: "Class C0"). This variant has not been reported in the literature in individuals with TRIM2-related conditions. This variant is not present in population databases (ExAC no frequency). This sequence change replaces valine with methionine at codon 510 of the TRIM2 protein (p.Val510Met). The valine residue is highly conserved and there is a small physicochemical difference between valine and methionine.